The following is an entry in ClinVar:

ClinVar aggregate classification (germline): Uncertain significance. Review status: criteria provided, multiple submitters, no conflicts (2 of 4 stars). 2 submissions from 2 submitters: Uncertain significance (2). Last evaluated 2023-08-17.

Conditions:
Inborn genetic diseases. Identifiers: MedGen C0950123, MeSH D030342.

Allele frequency attached by ClinVar (database versions not stated): gnomAD exomes 0.00001; TOPMed 0.00001; ESP Exome Variant Server 0.00008.
gnomAD v4.1: 13 of 1,613,984 alleles (0.00081%); highest among the groups gnomAD compares: Non-Finnish European, 0.0011%; no homozygotes.

Submissions (2):

Labcorp Genetics (formerly Invitae), Labcorp
Classification: Uncertain significance for Ehlers-Danlos syndrome progeroid type. Last evaluated: 2023-08-17. Review status: criteria provided, single submitter. Criteria: Invitae Variant Classification Sherloc (09022015). Collection method: clinical testing. Allele origin: germline.
Comment: In summary, the available evidence is currently insufficient to determine the role of this variant in disease. Therefore, it has been classified as a Variant of Uncertain Significance. This sequence change replaces arginine, which is basic and polar, with leucine, which is neutral and non-polar, at codon 104 of the B4GALT7 protein (p.Arg104Leu). This variant is present in population databases (rs140590638, gnomAD 0.002%). This variant has not been reported in the literature in individuals affected with B4GALT7-related conditions. ClinVar contains an entry for this variant (Variation ID: 1397994). Advanced modeling of protein sequence and biophysical properties (such as structural, functional, and spatial information, amino acid conservation, physicochemical variation, residue mobility, and thermodynamic stability) performed at Invitae indicates that this missense variant is expected to disrupt B4GALT7 protein function.

Ambry Genetics
Classification: Uncertain significance for Inborn genetic diseases. Last evaluated: 2021-07-27. Review status: criteria provided, single submitter. Criteria: Ambry Variant Classification Scheme 2023. Collection method: clinical testing. Allele origin: germline.

NM_007255.3(B4GALT7):c.311G>T (p.Arg104Leu)

Gene: B4GALT7 (beta-1,4-galactosyltransferase 7; plus strand). Cytogenetic location: 5q35.3.
Variant type: single nucleotide variant.
Coding change: c.311G>T on transcript NM_007255.3 (MANE Select); coding-DNA position 311, G replaced by T.
Protein change: p.Arg104Leu; replaces arginine 104 with leucine.
Molecular consequence: missense variant.
Genome position (GRCh38, 1-based): chr5:177,604,439, G>T. VCF-style: chr5-177604439-G-T. GRCh37 (hg19) VCF-style: chr5-177031440-G-T.
Other names: c.311G>T (NM_007255.2); short protein forms R104L.
Identifiers: ClinVar variation 1397994 (VCV001397994.8), dbSNP rs140590638, ClinGen allele CA132892217.